The following continues an entry in ClinVar:

NM_003060.4(SLC22A5):c.248G>T (p.Arg83Leu)

Gene: SLC22A5. ClinVar aggregate classification (germline): Pathogenic/Likely pathogenic. Pathogenic (11); Likely pathogenic (3).

Submissions 11 to 15 of 15:

ARUP Laboratories, Molecular Genetics and Genomics, ARUP Laboratories
Classification: Pathogenic for Renal carnitine transport defect. Last evaluated: 2018-09-07. Review status: criteria provided, single submitter. Criteria: ARUP Molecular Germline Variant Investigation Process. Collection method: clinical testing. Allele origin: germline.
Comment: The SLC22A5 c.248G>T; p.Arg83Leu variant (rs72552726) is reported in the literature in numerous individuals affected with primary carnitine deficiency (PCD), both in the homozygous state and in individuals with a second pathogenic SLC22A5 variant (El-Hattab 2010, Han 2014, Li 2010, Makhseed 2004, Rose 2012). This variant is reported as pathogenic by multiple laboratories in ClinVar (Variation ID: 25361) and has been observed to co-segregate with disease in affected families (El-Hattab 2010, Makhseed 2004). The p.Arg83Leu variant is found in the South Asian population with an overall allele frequency of 0.19% (51/27338 alleles) in the Genome Aggregation Database, though the prevalence of PCD in the general population may be confounded by asymptomatic individuals (Magoulas 2012). The arginine at codon 83 is moderately conserved, and computational analyses (SIFT, PolyPhen-2) predict that this variant is deleterious. Functional analyses indicate that the p.Arg83Leu variant has negligible carnitine transport activity (Amat di San Filippo 2006, Amat di San Filippo 2011, Frigeni 2017, Makhseed 2004, Rose 2012), and it is poorly expressed and aberrantly localized to the cytoplasm, possibly due to loss of glycosylation (Amat di San Filippo 2011). Based on available information, this variant is considered to be pathogenic. References: Amat di San Filippo C et al. Glycosylation of the OCTN2 carnitine transporter: study of natural mutations identified in patients with primary carnitine deficiency. Biochim Biophys Acta. 2011 Mar;1812(3):312-20. Amat di San Filippo C et al. Pharmacological rescue of carnitine transport in primary carnitine deficiency. Hum Mutat. 2006 Jun;27(6):513-23. El-Hattab A et al. Maternal systemic primary carnitine deficiency uncovered by newborn screening: clinical, biochemical, and molecular aspects. Genet Med. 2010; 12(1):19-24. Frigeni M et al. Functional and molecular studies in primary carnitine deficiency. Hum Mutat. 2017 Dec;38(12):1684-1699. Han L et al. Analysis of genetic mutations in Chinese patients with systemic primary carnitine deficiency. Eur J Med Genet. 2014 Oct;57(10):571-5. Li FY et al. Molecular spectrum of SLC22A5 (OCTN2) gene mutations detected in 143 subjects evaluated for systemic carnitine deficiency. Hum Mutat. 2010 Aug;31(8):E1632-51. Magoulas P et al. Systemic primary carnitine deficiency: an overview of clinical manifestations, diagnosis, and management. Orphanet J Rare Dis. 2012; 7:68. Makhseed N et al. Carnitine transporter defect due to a novel mutation in the SLC22A5 gene presenting with peripheral neuropathy. J Inherit Metab Dis. 2004;27(6):778-80. Rose E et al. Genotype-phenotype correlation in primary carnitine deficiency. Hum Mutat. 2012; 33(1):118-23.

Women's Health and Genetics/Laboratory Corporation of America, LabCorp
Classification: Pathogenic for Renal carnitine transport defect. Last evaluated: 2017-02-02. Review status: criteria provided, single submitter. Criteria: LabCorp Variant Classification Summary - May 2015. Collection method: clinical testing. Allele origin: germline.
Comment: Variant summary: The SLC22A5 c.248G>T (p.Arg83Leu) variant is located in an extracellular loop close to putative glycosylation sites of SLC22A5 (via Filippo_2011) involves the alteration of a conserved nucleotide, which 4/4 in silico tools (SNPs&GO not captured due to low reliability index) predict a damaging outcome. The variant of interest was observed in the large, broad control population, ExAC, with an allele frequency of 22/50892 (1/2313), predominantly in the South Asian cohort, 20/11664 (1/583), which does not exceed the estimated maximal expected allele frequency for a pathogenic SLC22A5 variant of 1/219. Multiple publications have cited the variant in affected homozygous and compound heterozygous individuals, and the variant has also been reported in asymptomatic individuals with serum carnitine deficiency. In addition, a functional study (Filippo_2011) indicates the variant impaired glycosylation and maturation of SLC22A5 to the plasma membrane. Furthermore, multiple clinical diagnostic laboratories/reputable databases classified this variant as pathogenic. Taken together, this variant is classified as pathogenic.

Eurofins Ntd Llc (ga)
Classification: Pathogenic. Last evaluated: 2016-09-14. Review status: criteria provided, single submitter. Criteria: EGL Classification Definitions 2015. Collection method: clinical testing. Allele origin: germline. Observed: 8 variant alleles, 5 heterozygotes, 3 homozygotes.

Juno Genomics, Hangzhou Juno Genomics, Inc
Classification: Likely pathogenic for Renal carnitine transport defect. Review status: criteria provided, single submitter. Criteria: ACMG Guidelines, 2015. Collection method: clinical testing. Allele origin: germline.
Comment: Absent from controls (or at extremely low frequency if recessive) in Genome Aggregation Database.;Multiple lines of computational evidence support a deleterious effect on the gene or gene product.;For recessive disorders, detected in trans with a pathogenic variant.;Co-segregation with disease in multiple affected family members.

Giacomini Lab, University of California, San Francisco
Classification: Uncertain significance for Renal carnitine transport defect. Last evaluated: 2022-10-03. Review status: flagged submission. Criteria: ACMG Guidelines, 2015. Collection method: research, in vitro. Allele origin: germline, not applicable. Not counted in ClinVar's aggregate classification.
ClinVar note: Reason: Outlier claim with insufficient supporting evidence

Literature cited by the submitters: PubMed 15617188 (cited by 5 submitters); PubMed 20574985 (cited by 4 submitters); PubMed 21126579 (cited by 3 submitters); PubMed 21922592 (cited by 3 submitters); PubMed 16652335 (cited by Labcorp Genetics (formerly Invitae), Labcorp and Myriad Genetics, Inc.); PubMed 28841266 (cited by Natera, Inc.); PubMed 24516753 (cited by Myriad Genetics, Inc.); PubMed 25132046 (cited by Myriad Genetics, Inc. and Women's Health and Genetics/Laboratory Corporation of America, LabCorp); PubMed 20027113 (cited by Women's Health and Genetics/Laboratory Corporation of America, LabCorp).